The following is an entry in ClinVar:

ClinVar aggregate classification (germline): Conflicting classifications of pathogenicity. Review status: criteria provided, conflicting classifications (1 of 4 stars). 10 submissions from 10 submitters: Uncertain significance (4); Likely benign (6). Last evaluated 2026-01-01.

Conditions:
ZNF469-related disorder. Also called: ZNF469-related condition.
Cardiovascular phenotype. Identifiers: MedGen CN230736.
Brittle cornea syndrome 1 (BCS1). Also called: CORNEAL FRAGILITY, KERATOGLOBUS, BLUE SCLERAE, JOINT HYPEREXTENSIBILITY; EDS6B; DYSGENESIS MESODERMALIS CORNEAE ET SCLERAE; FRAGILITAS OCULI WITH JOINT HYPEREXTENSIBILITY; Corneal fragility keratoglobus, blue sclerae AND joint hypermobility. Identifiers: Orphanet 90354, MedGen C0268344, MONDO:0024543, OMIM 229200.
Ehlers-Danlos syndrome (EDS). Identifiers: Orphanet 98249, MedGen C0013720, MONDO:0020066.

Allele frequency attached by ClinVar (database versions not stated): 1000 Genomes Project 0.00020; 1000 Genomes Project 30x 0.00031; ExAC 0.00070; TOPMed 0.00078; gnomAD exomes 0.00080; gnomAD 0.00090 and 0.00092.
gnomAD v4.1: 1,802 of 1,550,382 alleles (0.12%); highest among the groups gnomAD compares: Non-Finnish European, 0.14%; 2 homozygotes.

Submissions (10):

CeGaT Center for Human Genetics Tuebingen
Classification: Likely benign. Last evaluated: 2026-01-01. Review status: criteria provided, single submitter. Criteria: CeGaT Center For Human Genetics Tuebingen Variant Classification Criteria Version 2. Collection method: clinical testing. Allele origin: germline. Affected: yes. Observed: 8 variant alleles.
Comment: ZNF469: BP4

Mayo Clinic Laboratories, Mayo Clinic
Classification: Likely benign. Last evaluated: 2025-04-30. Review status: criteria provided, single submitter. Criteria: ACMG Guidelines, 2015. Collection method: clinical testing. Allele origin: germline. Observed: 13 variant alleles.
Comment: BS1, BP4

Ambry Genetics
Classification: Likely benign for Cardiovascular phenotype. Last evaluated: 2025-04-15. Review status: criteria provided, single submitter. Criteria: Ambry Variant Classification Scheme 2023. Collection method: clinical testing. Allele origin: germline.

Blueprint Genetics
Classification: Likely benign. Last evaluated: 2024-11-22. Review status: criteria provided, single submitter. Criteria: ACMG Guidelines, 2015. Collection method: clinical testing. Allele origin: germline.

PreventionGenetics, part of Exact Sciences
Classification: Likely benign for ZNF469-related condition. Last evaluated: 2024-10-21. Review status: criteria provided, single submitter. Criteria: ACMG Guidelines, 2015. Collection method: clinical testing. Allele origin: germline.
Comment: This variant is classified as likely benign based on ACMG/AMP sequence variant interpretation guidelines (Richards et al. 2015 PMID: 25741868, with internal and published modifications).

Labcorp Genetics (formerly Invitae), Labcorp
Classification: Uncertain significance. Last evaluated: 2022-10-17. Review status: criteria provided, single submitter. Criteria: Invitae Variant Classification Sherloc (09022015). Collection method: clinical testing. Allele origin: germline.
Comment: This sequence change replaces proline, which is neutral and non-polar, with threonine, which is neutral and polar, at codon 1822 of the ZNF469 protein (p.Pro1822Thr). This variant is present in population databases (rs199932922, gnomAD 0.2%), and has an allele count higher than expected for a pathogenic variant. This missense change has been observed in individual(s) with keratoconus (PMID: 24895405). ClinVar contains an entry for this variant (Variation ID: 320941). Algorithms developed to predict the effect of missense changes on protein structure and function are either unavailable or do not agree on the potential impact of this missense change (SIFT: "Deleterious"; PolyPhen-2: "Possibly Damaging"; Align-GVGD: "Class C0"). In summary, the available evidence is currently insufficient to determine the role of this variant in disease. Therefore, it has been classified as a Variant of Uncertain Significance.

Department of Pathology and Laboratory Medicine, Sinai Health System
Classification: Uncertain significance for Brittle cornea syndrome 1. Last evaluated: 2021-07-30. Review status: criteria provided, single submitter. Criteria: ACMG Guidelines, 2015. Collection method: research. Allele origin: germline.

Genome Diagnostics Laboratory, The Hospital for Sick Children
Classification: Uncertain significance for Ehlers-Danlos syndrome. Last evaluated: 2021-01-13. Review status: criteria provided, single submitter. Criteria: ACMG Guidelines, 2015. Collection method: clinical testing. Allele origin: germline.

GeneDx
Classification: Likely benign. Last evaluated: 2020-11-13. Review status: criteria provided, single submitter. Criteria: GeneDx Variant Classification Process June 2021. Collection method: clinical testing. Allele origin: germline. Affected: yes.
Comment: This variant is associated with the following publications: (PMID: 29111844, 24895405)

Baylor Genetics
Classification: Uncertain significance for Brittle cornea syndrome 1. Last evaluated: 2018-03-11. Review status: criteria provided, single submitter. Criteria: ACMG Guidelines, 2015. Collection method: clinical testing. Allele origin: unknown. Affected: yes.
Comment: This variant was determined to be of uncertain significance according to ACMG Guidelines, 2015 [PMID:25741868].

Literature cited by the submitters: PubMed 24895405 (cited by Mayo Clinic Laboratories, Mayo Clinic and Labcorp Genetics (formerly Invitae), Labcorp).

NM_001367624.2(ZNF469):c.5548C>A (p.Pro1850Thr)

Gene: ZNF469 (zinc finger protein 469; plus strand). Cytogenetic location: 16q24.2.
Variant type: single nucleotide variant.
Coding change: c.5548C>A on transcript NM_001367624.2 (MANE Select); coding-DNA position 5548, C replaced by A.
Protein change: p.Pro1850Thr; replaces proline 1850 with threonine.
Molecular consequence: missense variant.
Genome position (GRCh38, 1-based): chr16:88,433,018, C>A. VCF-style: chr16-88433018-C-A. GRCh37 (hg19) VCF-style: chr16-88499426-C-A.
Other names: NM_001127464.1:c.5464C>A; NM_001127464.2:c.5464C>A; p.Pro1850Thr; short protein forms P1850T.
Identifiers: ClinVar variation 320941 (VCV000320941.61), dbSNP rs199932922, ClinGen allele CA8225087.